The following is an entry in ClinVar:

NM_001009944.3(PKD1):c.7321G>A (p.Gly2441Ser)

Gene: PKD1 (polycystin 1, transient receptor potential channel interacting; minus strand). Cytogenetic location: 16p13.3.
Variant type: single nucleotide variant.
Coding change: c.7321G>A on transcript NM_001009944.3 (MANE Select); coding-DNA position 7321, G replaced by A.
Protein change: p.Gly2441Ser; replaces glycine 2441 with serine.
Molecular consequence: missense variant.
Genome position (GRCh38, 1-based): chr16:2,106,566, C>T on the plus strand (G>A on the coding strand, the complement: PKD1 is on the minus strand). VCF-style: chr16-2106566-C-T. GRCh37 (hg19) VCF-style: chr16-2156567-C-T.
Other names: c.7321G>A, p.Gly2441Ser (NM_000296.4); short protein forms G2441S.
Identifiers: ClinVar variation 803164 (VCV000803164.13), dbSNP rs376618983, ClinGen allele CA7831179.

ClinVar aggregate classification (germline): Uncertain significance. Review status: criteria provided, multiple submitters, no conflicts (2 of 4 stars). 3 submissions from 3 submitters: Uncertain significance (3). Last evaluated 2023-09-11.

Conditions:
Polycystic kidney disease, adult type (PKD1). Also called: POLYCYSTIC KIDNEY DISEASE 1 WITH OR WITHOUT POLYCYSTIC LIVER DISEASE; POLYCYSTIC KIDNEY DISEASE, ADULT, TYPE I; Polycystic Kidney, Autosomal Dominant; Polycystic Kidney Disease 1, Autosomal Dominant; Polycystic kidney disease 1; Polycystic kidney disease 1, severe. Identifiers: MedGen C3149841, MONDO:0008263, OMIM 173900.

Allele frequency attached by ClinVar (database versions not stated): gnomAD 0.00006; ESP Exome Variant Server 0.00008; TOPMed 0.00012; ExAC 0.00021.
gnomAD v4.1: 226 of 1,596,244 alleles (0.014%); highest among the groups gnomAD compares: Admixed American, 0.017%; 1 homozygote.

Submissions (3):

GeneDx
Classification: Uncertain significance. Last evaluated: 2023-09-11. Review status: criteria provided, single submitter. Criteria: GeneDx Variant Classification Process June 2021. Collection method: clinical testing. Allele origin: germline. Affected: yes.
Comment: In silico analysis, which includes protein predictors and evolutionary conservation, supports a deleterious effect; This variant is associated with the following publications: (PMID: 33226606)

ARUP Laboratories, Molecular Genetics and Genomics, ARUP Laboratories
Classification: Uncertain significance for Polycystic kidney disease, adult type. Last evaluated: 2019-06-09. Review status: criteria provided, single submitter. Criteria: ARUP Molecular Germline Variant Investigation Process. Collection method: clinical testing. Allele origin: germline.
Comment: The PKD1 c.7321G>A; p.Gly2441Ser variant (rs376618983), to our knowledge, is not reported in the medical literature or gene specific databases. This variant is found in the Ashkenazi Jewish population with an allele frequency of 0.10% (10/9976 alleles) in the Genome Aggregation Database. The glycine at codon 2441 is moderately conserved, and computational analyses (SIFT, PolyPhen-2) predict that this variant is deleterious. Due to limited information, the clinical significance of the p.Gly2441Ser variant is uncertain at this time.

Mendelics
Classification: Uncertain significance for Polycystic kidney disease, adult type. Last evaluated: 2019-05-28. Review status: criteria provided, single submitter. Criteria: Mendelics Assertion Criteria 2017. Collection method: clinical testing. Allele origin: unknown.